The following is an entry in ClinVar:

ClinVar aggregate classification (germline): Uncertain significance (1 of 4 stars; one submission).

Allele frequency attached by ClinVar (database versions not stated): gnomAD exomes below 0.00001.
gnomAD v4.1: 1 of 1,613,876 alleles (0.000062%); highest among the groups gnomAD compares: East Asian, 0.0022%; no homozygotes.

Submission:

Labcorp Genetics (formerly Invitae), Labcorp
Classification: Uncertain significance. Last evaluated: 2022-03-18. Review status: criteria provided, single submitter. Criteria: Invitae Variant Classification Sherloc (09022015). Collection method: clinical testing. Allele origin: germline.
Comment: In summary, the available evidence is currently insufficient to determine the role of this variant in disease. Therefore, it has been classified as a Variant of Uncertain Significance. Variants that disrupt the consensus splice site are a relatively common cause of aberrant splicing (PMID: 17576681, 9536098). Algorithms developed to predict the effect of sequence changes on RNA splicing suggest that this variant is not likely to affect RNA splicing. This variant has not been reported in the literature in individuals affected with SZT2-related conditions. This variant is not present in population databases (gnomAD no frequency). This sequence change falls in intron 48 of the SZT2 gene. It does not directly change the encoded amino acid sequence of the SZT2 protein. It affects a nucleotide within the consensus splice site.

Literature cited by the submitters: PubMed 17576681; PubMed 9536098.

NM_001365999.1(SZT2):c.6878-3C>T

Gene: SZT2 (SZT2 subunit of KICSTOR complex; plus strand). Cytogenetic location: 1p34.2.
Variant type: single nucleotide variant.
Coding change: c.6878-3C>T on transcript NM_001365999.1 (MANE Select); 3 bases into the intron before coding-DNA position 6878, C replaced by T.
Molecular consequence: intron variant.
Genome position (GRCh38, 1-based): chr1:43,439,602, C>T. VCF-style: chr1-43439602-C-T. GRCh37 (hg19) VCF-style: chr1-43905273-C-T.
Other names: c.6707-3C>T (NM_015284.4).
Identifiers: ClinVar variation 2186312 (VCV002186312.4), dbSNP rs2545846112, ClinGen allele CA2580062842.
Genomic context (GRCh38, chr1:43,439,602, plus strand): 5'-AGGGTCGTGGGAGGGGTGGTCTGCAAGTCCCAGAGCTGAGCCTTCCTATGGATTTCTACC[C>T]AGGGGTTGCCTGCATCACTCTAGCCTTTGTGGATGAAGGAGGGGCCCCCTTGTCACTGGC-3'